The following is an entry in ClinVar:

NM_005535.3(IL12RB1):c.1021+786G>C

Gene: IL12RB1 (interleukin 12 receptor subunit beta 1; minus strand). Cytogenetic location: 19p13.11.
Variant type: single nucleotide variant.
Coding change: c.1021+786G>C on transcript NM_005535.3 (MANE Select); 786 bases into the intron after coding-DNA position 1021, G replaced by C.
Molecular consequence: intron variant. On other transcripts: missense variant (3).
Genome position (GRCh38, 1-based): chr19:18,071,326, C>G on the plus strand (G>C on the coding strand, the complement: IL12RB1 is on the minus strand). VCF-style: chr19-18071326-C-G. GRCh37 (hg19) VCF-style: chr19-18182136-C-G.
Other names: c.1170G>C, p.Met390Ile (NM_001440426.1); c.1149G>C, p.Met383Ile (NM_001440427.1); c.1029G>C, p.Met343Ile (NM_153701.3); c.1141+786G>C (NM_001290024.2); c.1021+786G>C (NM_001290023.2); c.1042+786G>C (NM_001440425.1, NM_001440424.1); short protein forms M343I, M383I, M390I.
Identifiers: ClinVar variation 3042396 (VCV003042396.2), dbSNP rs569529842, ClinGen allele CA306163285.

ClinVar aggregate classification (germline): Likely benign (0 of 4 stars; one submission).

Conditions:
IL12RB1-related disorder. Also called: IL12RB1-related condition.

Allele frequency attached by ClinVar (database versions not stated): 1000 Genomes Project 0.00100; 1000 Genomes Project 30x 0.00141.
gnomAD v4.1: 269 of 824,546 alleles (0.033%); highest among the groups gnomAD compares: Admixed American, 0.58%; 4 homozygotes.

Submission:

PreventionGenetics, part of Exact Sciences
Classification: Likely benign for IL12RB1-related condition. Last evaluated: 2020-03-17. Review status: no assertion criteria provided. Collection method: clinical testing. Allele origin: germline.
Comment: This variant is classified as likely benign based on ACMG/AMP sequence variant interpretation guidelines (Richards et al. 2015 PMID: 25741868, with internal and published modifications).